The following is an entry in ClinVar:

NM_005055.5(RAPSN):c.1183G>A (p.Gly395Arg)

Gene: RAPSN (receptor associated protein of the synapse; minus strand). Cytogenetic location: 11p11.2.
Variant type: single nucleotide variant.
Coding change: c.1183G>A on transcript NM_005055.5 (MANE Select); coding-DNA position 1183, G replaced by A.
Protein change: p.Gly395Arg; replaces glycine 395 with arginine.
Molecular consequence: missense variant.
Genome position (GRCh38, 1-based): chr11:47,438,031, C>T on the plus strand (G>A on the coding strand, the complement: RAPSN is on the minus strand). VCF-style: chr11-47438031-C-T. GRCh37 (hg19) VCF-style: chr11-47459582-C-T.
Other names: p.Gly395Arg; c.1006G>A, p.Gly336Arg (NM_032645.5); short protein forms G395R, G336R.
Identifiers: ClinVar variation 969203 (VCV000969203.6), dbSNP rs768882267, ClinGen allele CA5976457.

ClinVar aggregate classification (germline): Uncertain significance. Review status: criteria provided, multiple submitters, no conflicts (2 of 4 stars). 4 submissions from 4 submitters: Uncertain significance (3). 1 of the submissions does not count toward it. Last evaluated 2025-09-05.

Conditions:
Inborn genetic diseases. Identifiers: MedGen C0950123, MeSH D030342.
Congenital myasthenic syndrome (CMS). Also called: Congenital Myasthenic Syndromes. Identifiers: Orphanet 590, MedGen C0751882, MeSH D020294, MONDO:0018940.
Fetal akinesia deformation sequence 1 (FADS1). Also called: Pena-Shokeir syndrome type I; Fetal akinesia sequence. Identifiers: Orphanet 994, MedGen C1276035, MONDO:0100101, OMIM 208150, HP:0001989.
Congenital myasthenic syndrome 11. Also called: Myasthenic syndrome, congenital, 11, associated with acetylcholine receptor deficiency; MYASTHENIC SYNDROME, CONGENITAL, Ie. Identifiers: Orphanet 590, MedGen C4225367, MONDO:0014588, OMIM 616326.

Allele frequency attached by ClinVar (database versions not stated): TOPMed 0.00005.

Submissions (4):

Mayo Clinic Laboratories, Mayo Clinic
Classification: Uncertain significance. Last evaluated: 2025-09-05. Review status: criteria provided, single submitter. Criteria: ACMG Guidelines, 2015. Collection method: clinical testing. Allele origin: germline. Observed: 1 variant allele.
Comment: BP4_moderate

Ambry Genetics
Classification: Uncertain significance for Inborn genetic diseases. Last evaluated: 2022-05-04. Review status: criteria provided, single submitter. Criteria: Ambry Variant Classification Scheme 2023. Collection method: clinical testing. Allele origin: germline.

Labcorp Genetics (formerly Invitae), Labcorp
Classification: Uncertain significance for Congenital myasthenic syndrome 11; Fetal akinesia deformation sequence 1. Last evaluated: 2021-11-19. Review status: criteria provided, single submitter. Criteria: Invitae Variant Classification Sherloc (09022015). Collection method: clinical testing. Allele origin: germline.
Comment: This sequence change replaces glycine, which is neutral and non-polar, with arginine, which is basic and polar, at codon 395 of the RAPSN protein (p.Gly395Arg). This variant is present in population databases (rs768882267, gnomAD 0.008%). This variant has not been reported in the literature in individuals affected with RAPSN-related conditions. ClinVar contains an entry for this variant (Variation ID: 969203). Algorithms developed to predict the effect of missense changes on protein structure and function output the following: SIFT: "Deleterious"; PolyPhen-2: "Benign"; Align-GVGD: "Class C0". The arginine amino acid residue is found in multiple mammalian species, which suggests that this missense change does not adversely affect protein function. In summary, the available evidence is currently insufficient to determine the role of this variant in disease. Therefore, it has been classified as a Variant of Uncertain Significance.

Natera, Inc.
Classification: Uncertain significance for Congenital myasthenic syndrome. Last evaluated: 2020-03-25. Review status: no assertion criteria provided. Collection method: clinical testing. Allele origin: germline. Not counted in ClinVar's aggregate classification.